The following is an entry in ClinVar:

NM_014629.4(ARHGEF10):c.3085T>C (p.Ser1029Pro)

Gene: ARHGEF10 (Rho guanine nucleotide exchange factor 10; plus strand). Cytogenetic location: 8p23.3.
Variant type: single nucleotide variant.
Coding change: c.3085T>C on transcript NM_014629.4 (MANE Select); coding-DNA position 3085, T replaced by C.
Protein change: p.Ser1029Pro; replaces serine 1029 with proline.
Molecular consequence: missense variant.
Genome position (GRCh38, 1-based): chr8:1,933,805, T>C. VCF-style: chr8-1933805-T-C. GRCh37 (hg19) VCF-style: chr8-1881971-T-C.
Other names: c.2971T>C, p.Ser991Pro (NM_001308152.2); c.3085T>C, p.Ser1029Pro (NM_001308153.3); short protein forms S1029P, S1053P, S991P.
Identifiers: ClinVar variation 3693952 (VCV003693952.2).

ClinVar aggregate classification (germline): Uncertain significance (1 of 4 stars; one submission).

Submission:

Labcorp Genetics (formerly Invitae), Labcorp
Classification: Uncertain significance. Last evaluated: 2024-05-23. Review status: criteria provided, single submitter. Criteria: Invitae Variant Classification Sherloc (09022015). Collection method: clinical testing. Allele origin: germline.
Comment: This sequence change replaces serine, which is neutral and polar, with proline, which is neutral and non-polar, at codon 1029 of the ARHGEF10 protein (p.Ser1029Pro). This variant is not present in population databases (gnomAD no frequency). This variant has not been reported in the literature in individuals affected with ARHGEF10-related conditions. Advanced modeling of protein sequence and biophysical properties (such as structural, functional, and spatial information, amino acid conservation, physicochemical variation, residue mobility, and thermodynamic stability) performed at Invitae indicates that this missense variant is not expected to disrupt ARHGEF10 protein function with a negative predictive value of 80%. In summary, the available evidence is currently insufficient to determine the role of this variant in disease. Therefore, it has been classified as a Variant of Uncertain Significance.